The following is an entry in ClinVar:

ClinVar aggregate classification (germline): Uncertain significance. Review status: criteria provided, multiple submitters, no conflicts (2 of 4 stars). 6 submissions from 6 submitters: Uncertain significance (5). 1 of the submissions does not count toward it. Last evaluated 2026-07-15.

Conditions:
Hereditary cancer-predisposing syndrome. Also called: Neoplastic Syndromes, Hereditary; Hereditary Cancer Syndrome; Tumor predisposition; Hereditary neoplastic syndrome. Identifiers: Orphanet 140162, MedGen C0027672, MeSH D009386, MONDO:0015356.
FH-related disorder. Also called: FH-related condition; FH-related disorders.
Fumarase deficiency (FMRD). Also called: Fumarate Hydratase Deficiency; Fumaric aciduria. Identifiers: Orphanet 24, MedGen C0342770, MONDO:0011730, OMIM 606812.

Allele frequency attached by ClinVar (database versions not stated): gnomAD exomes below 0.00001; TOPMed below 0.00001.
gnomAD v4.1: 7 of 1,614,094 alleles (0.00043%); highest among the groups gnomAD compares: African/African-American, 0.0027%; no homozygotes.

Submissions (6):

PreventionGenetics, part of Exact Sciences
Classification: Uncertain significance for FH-related condition. Last evaluated: 2026-07-15. Review status: criteria provided, single submitter. Criteria: ACMG Guidelines, 2015. Collection method: clinical testing. Allele origin: germline.
Comment: The FH c.308C>T variant is predicted to result in the amino acid substitution p.Ala103Val. To our knowledge, this variant has not been reported in the literature or in a large population database (gnomAD), indicating this variant is rare. At this time, the clinical significance of this variant is uncertain due to the absence of conclusive functional and genetic evidence.

Labcorp Genetics (formerly Invitae), Labcorp
Classification: Uncertain significance. Last evaluated: 2025-11-17. Review status: criteria provided, single submitter. Criteria: Invitae Variant Classification Sherloc (09022015). Collection method: clinical testing. Allele origin: germline.
Comment: This sequence change replaces alanine, which is neutral and non-polar, with valine, which is neutral and non-polar, at codon 103 of the FH protein (p.Ala103Val). This variant is not present in population databases (gnomAD no frequency). This variant has not been reported in the literature in individuals affected with FH-related conditions. ClinVar contains an entry for this variant (Variation ID: 822847). Invitae Evidence Modeling of protein sequence and biophysical properties (such as structural, functional, and spatial information, amino acid conservation, physicochemical variation, residue mobility, and thermodynamic stability) has been performed for this missense variant. However, the output from this modeling did not meet the statistical confidence thresholds required to predict the impact of this variant on FH protein function. In summary, the available evidence is currently insufficient to determine the role of this variant in disease. Therefore, it has been classified as a Variant of Uncertain Significance.

Ambry Genetics
Classification: Uncertain significance for Hereditary cancer-predisposing syndrome. Last evaluated: 2024-01-16. Review status: criteria provided, single submitter. Criteria: Ambry Variant Classification Scheme 2023. Collection method: clinical testing. Allele origin: germline.
Comment: The p.A103V variant (also known as c.308C>T), located in coding exon 3 of the FH gene, results from a C to T substitution at nucleotide position 308. The alanine at codon 103 is replaced by valine, an amino acid with similar properties. This amino acid position is highly conserved in available vertebrate species. In addition, this alteration is predicted to be deleterious by in silico analysis. Since supporting evidence is limited at this time, the clinical significance of this alteration remains unclear.

Revvity Omics, Revvity
Classification: Uncertain significance. Last evaluated: 2024-01-02. Review status: criteria provided, single submitter. Criteria: ACMG Guidelines, 2015. Collection method: clinical testing. Allele origin: germline.

GeneDx
Classification: Uncertain significance. Last evaluated: 2022-08-11. Review status: criteria provided, single submitter. Criteria: GeneDx Variant Classification Process June 2021. Collection method: clinical testing. Allele origin: germline. Affected: yes.
Comment: Not observed at significant frequency in large population cohorts (gnomAD); In silico analysis supports that this missense variant has a deleterious effect on protein structure/function; Has not been previously published as pathogenic or benign to our knowledge

Natera, Inc.
Classification: Uncertain significance for Fumarase Deficiency. Last evaluated: 2025-04-17. Review status: no assertion criteria provided. Collection method: clinical testing. Allele origin: germline. Not counted in ClinVar's aggregate classification.

NM_000143.4(FH):c.308C>T (p.Ala103Val)

Gene: FH (fumarate hydratase; minus strand). Cytogenetic location: 1q43.
Variant type: single nucleotide variant.
Coding change: c.308C>T on transcript NM_000143.4 (MANE Select); coding-DNA position 308, C replaced by T.
Protein change: p.Ala103Val; replaces alanine 103 with valine.
Molecular consequence: missense variant.
Genome position (GRCh38, 1-based): chr1:241,513,673, G>A on the plus strand (C>T on the coding strand, the complement: FH is on the minus strand). VCF-style: chr1-241513673-G-A. GRCh37 (hg19) VCF-style: chr1-241676973-G-A.
Other names: short protein forms A103V.
Identifiers: ClinVar variation 822847 (VCV000822847.18), dbSNP rs1256116208, ClinGen allele CA345440828.
Genomic context (GRCh38, chr1:241,513,673, plus strand): 5'-GCCTTCATTATTGCATTAGCAATCTTTGGATCAAGACCATAATCCTGGTTTACTTCAGCG[G>A]CCGCTCGCTTCAAGATGCCAAAAGCTTTAATAACTGGGGTCTAAAATTAATCAGAAAAAT-3'
Protein context (NP_000134.2, residues 93-113): IKAFGILKRA[Ala103Val]AEVNQDYGLD